The following is an entry in ClinVar:

ClinVar aggregate classification (germline): Pathogenic (1 of 4 stars; one submission).

Conditions:
Familial cancer of breast. Also called: BREAST CANCER, FAMILIAL; hereditary breast carcinoma; Hereditary breast cancer. Identifiers: Orphanet 227535, MedGen C0346153, MONDO:0016419, OMIM 114480. Disease mechanism: loss of function.
Fanconi anemia complementation group J. Also called: BRIP1-Related Fanconi Anemia. Identifiers: Orphanet 84, MedGen C1836860, MONDO:0012187, OMIM 609054.

Submission:

Labcorp Genetics (formerly Invitae), Labcorp
Classification: Pathogenic for Familial cancer of breast; Fanconi anemia complementation group J. Last evaluated: 2021-10-12. Review status: criteria provided, single submitter. Criteria: Invitae Variant Classification Sherloc (09022015). Collection method: clinical testing. Allele origin: germline.
Comment: This variant has not been reported in the literature in individuals affected with BRIP1-related conditions. This variant is a gross deletion of the genomic region encompassing exon(s) 7-16 of the BRIP1 gene. This variant would be expected to be in-frame, preserving the integrity of the reading frame. For these reasons, this variant has been classified as Pathogenic. The region of the BRIP1 gene that includes exon(s) 8 has been determined to be clinically significant (PMID: 16116424, 16973432, 19099189; Invitae). Therefore, deletions that encompass that region are likely to be disease-causing.

Literature cited by the submitters: PubMed 16116424; PubMed 16973432; PubMed 19099189.

NC_000017.10:g.(?_59820364)_(59886128_?)del

Gene: BRIP1 (BRCA1 interacting DNA helicase 1; minus strand). Cytogenetic location: 17q23.2.
Variant type: Deletion.
Identifiers: ClinVar variation 1361369 (VCV001361369.5).